The following is an entry in ClinVar:

NM_139276.3(STAT3):c.870A>T (p.Lys290Asn)

Gene: STAT3 (signal transducer and activator of transcription 3; minus strand). Cytogenetic location: 17q21.2.
Variant type: single nucleotide variant.
Coding change: c.870A>T on transcript NM_139276.3 (MANE Select); coding-DNA position 870, A replaced by T.
Protein change: p.Lys290Asn; replaces lysine 290 with asparagine.
Molecular consequence: missense variant.
Genome position (GRCh38, 1-based): chr17:42,333,977, T>A on the plus strand (A>T on the coding strand, the complement: STAT3 is on the minus strand). VCF-style: chr17-42333977-T-A. GRCh37 (hg19) VCF-style: chr17-40485995-T-A.
Other names: c.870A>T, p.Lys290Asn (NM_001369512.1, NM_001369513.1, NM_001369514.1 and 7 more transcripts); short protein forms K290N.
Identifiers: ClinVar variation 827746 (VCV000827746.6), dbSNP rs1598415635, ClinGen allele CA399591248.

ClinVar aggregate classification (germline): Conflicting classifications of pathogenicity. Review status: criteria provided, conflicting classifications (1 of 4 stars). 2 submissions from 2 submitters: Likely pathogenic (1); Uncertain significance (1). Last evaluated 2025-02-13.

Conditions:
Inherited Immunodeficiency Diseases. Identifiers: MedGen C5197805, MeSH D000081207.
STAT3 gain of function. Identifiers: MedGen C4288261.
Hyper-IgE recurrent infection syndrome 1, autosomal dominant. Also called: JOB SYNDROME; Job's Syndrome; STAT3 Hyper IgE Syndrome; Hyper-IgE recurrent infection syndrome 1; HYPER-IgE SYNDROME 1, AUTOSOMAL DOMINANT, WITH RECURRENT INFECTIONS. Identifiers: Orphanet 2314, MedGen C2936739, MONDO:0007818, OMIM 147060.

Submissions (2):

Labcorp Genetics (formerly Invitae), Labcorp
Classification: Likely pathogenic for STAT3 gain of function; Hyper-IgE recurrent infection syndrome 1, autosomal dominant. Last evaluated: 2025-02-13. Review status: criteria provided, single submitter. Criteria: Invitae Variant Classification Sherloc (09022015). Collection method: clinical testing. Allele origin: germline.
Comment: This sequence change replaces lysine, which is basic and polar, with asparagine, which is neutral and polar, at codon 290 of the STAT3 protein (p.Lys290Asn). This variant is not present in population databases (gnomAD no frequency). This missense change has been observed in individual(s) with clinical features of STAT3-related conditions (PMID: 29180260). In at least one individual the variant was observed to be de novo. ClinVar contains an entry for this variant (Variation ID: 827746). Invitae Evidence Modeling of protein sequence and biophysical properties (such as structural, functional, and spatial information, amino acid conservation, physicochemical variation, residue mobility, and thermodynamic stability) indicates that this missense variant is not expected to disrupt STAT3 protein function with a negative predictive value of 80%. Experimental studies have shown that this missense change affects STAT3 function (PMID: 29180260). In summary, the currently available evidence indicates that the variant is pathogenic, but additional data are needed to prove that conclusively. Therefore, this variant has been classified as Likely Pathogenic.

NIHR Bioresource Rare Diseases, University of Cambridge
Classification: Uncertain significance for Inherited Immunodeficiency Diseases. Last evaluated: 2019-01-01. Review status: criteria provided, single submitter. Criteria: ACMG Guidelines, 2015. Collection method: research. Allele origin: germline. Affected: yes. Observed: 1 heterozygote.

Literature cited by the submitters: PubMed 29180260 (cited by Labcorp Genetics (formerly Invitae), Labcorp).